The following is an entry in ClinVar:

NM_020779.4(WDR35):c.2737_2741del (p.Leu913fs)

Gene: WDR35 (WD repeat domain 35; minus strand). Cytogenetic location: 2p24.1.
Variant type: Deletion.
Coding change: c.2737_2741del on transcript NM_020779.4 (MANE Select); coding-DNA positions 2737 to 2741, 5 bases deleted (TTACT; older notation c.2737_2741delTTACT).
Protein change: p.Leu913fs; shifts the reading frame from leucine 913.
Molecular consequence: frameshift variant.
Genome position (GRCh38, 1-based): chr2:19,932,365-19,932,369, AGTAA deleted on the plus strand (TTACT on the coding strand, the reverse complement: WDR35 is on the minus strand); deleting any 5 consecutive bases within chr2:19,932,365-19,932,370 gives the same sequence; the c. name uses the placement nearest the transcript's 3' end. VCF-style (leftmost placement, unchanged base first): chr2-19932364-CAGTAA-C. GRCh37 (hg19) VCF-style: chr2-20132125-CAGTAA-C.
Other names: c.2770_2774del, p.Leu924fs (NM_001006657.2); short protein forms L913fs, L924fs.
Identifiers: ClinVar variation 5037967 (VCV005037967.2).

ClinVar aggregate classification (germline): Likely pathogenic (1 of 4 stars; one submission).

Conditions:
Cranioectodermal dysplasia 2 (CED2). Identifiers: Orphanet 1515, MedGen C3150874, MONDO:0013323, OMIM 613610.
Short-rib thoracic dysplasia 7 with or without polydactyly (SRTD7). Also called: SHORT-RIB THORACIC DYSPLASIA 7 WITH POLYDACTYLY; Short rib polydactyly syndrome 5. Identifiers: Orphanet 498497, Orphanet 93271, MedGen C3279792, MONDO:0013569, OMIM 614091.

Submission:

Juno Genomics, Hangzhou Juno Genomics, Inc
Classification: Likely pathogenic for Cranioectodermal dysplasia 2; Short-rib thoracic dysplasia 7 with or without polydactyly. Review status: criteria provided, single submitter. Criteria: ACMG Guidelines, 2015. Collection method: clinical testing. Allele origin: germline.
Comment: Null variant in a gene where loss of function (LOF) is a known mechanism of disease.;Absent from controls (or at extremely low frequency if recessive) in Genome Aggregation Database.